The following is an entry in ClinVar:

NM_001231.5(CASQ1):c.465T>G (p.Asp155Glu)

Gene: CASQ1 (calsequestrin 1; plus strand). Cytogenetic location: 1q23.2.
Variant type: single nucleotide variant.
Coding change: c.465T>G on transcript NM_001231.5 (MANE Select); coding-DNA position 465, T replaced by G.
Protein change: p.Asp155Glu; replaces aspartic acid 155 with glutamic acid.
Molecular consequence: missense variant.
Genome position (GRCh38, 1-based): chr1:160,193,847, T>G. VCF-style: chr1-160193847-T-G. GRCh37 (hg19) VCF-style: chr1-160163637-T-G.
Other names: short protein forms D155E.
Identifiers: ClinVar variation 3603414 (VCV003603414.2).

ClinVar aggregate classification (germline): Uncertain significance (1 of 4 stars; one submission).

gnomAD v4.1: 14 of 1,606,900 alleles (0.00087%); highest among the groups gnomAD compares: Non-Finnish European, 0.0011%; no homozygotes.

Submission:

Labcorp Genetics (formerly Invitae), Labcorp
Classification: Uncertain significance. Last evaluated: 2024-05-24. Review status: criteria provided, single submitter. Criteria: Invitae Variant Classification Sherloc (09022015). Collection method: clinical testing. Allele origin: germline.
Comment: This sequence change replaces aspartic acid, which is acidic and polar, with glutamic acid, which is acidic and polar, at codon 155 of the CASQ1 protein (p.Asp155Glu). This variant is present in population databases (rs762819146, gnomAD 0.002%). This variant has not been reported in the literature in individuals affected with CASQ1-related conditions. An algorithm developed to predict the effect of missense changes on protein structure and function (PolyPhen-2) suggests that this variant is likely to be tolerated. In summary, the available evidence is currently insufficient to determine the role of this variant in disease. Therefore, it has been classified as a Variant of Uncertain Significance.